The following is an entry in ClinVar:

ClinVar aggregate classification (germline): Benign/Likely benign. Review status: criteria provided, multiple submitters, no conflicts (2 of 4 stars). 5 submissions from 5 submitters: Benign (2); Likely benign (3). Last evaluated 2025-04-17.

Conditions:
Developmental and epileptic encephalopathy, 42 (DEE42A). Also called: Epileptic encephalopathy, early infantile, 42; DEVELOPMENTAL AND EPILEPTIC ENCEPHALOPATHY 42A; EPILEPTIC ENCEPHALOPATHY, EARLY INFANTILE, 42A. Identifiers: MedGen C4310716, MONDO:0014917, OMIM 617106.
Episodic ataxia type 2 (EA2). Also called: ATAXIA, EPISODIC, WITH NYSTAGMUS; ATAXIA, FAMILIAL PAROXYSMAL; CEREBELLAR ATAXIA, PAROXYSMAL, ACETAZOLAMIDE-RESPONSIVE; CEREBELLOPATHY, HEREDITARY PAROXYSMAL; EPISODIC ATAXIA, NYSTAGMUS-ASSOCIATED; ACETAZOLAMIDE-RESPONSIVE HEREDITARY PAROXYSMAL CEREBELLAR ATAXIA. Identifiers: Orphanet 97, MedGen C1720416, MONDO:0007163, OMIM 108500.
CACNA1A-related disorder. Also called: CACNA1A-related condition.

Allele frequency attached by ClinVar (database versions not stated): gnomAD 0.00001 and 0.00003; TOPMed 0.00002; gnomAD exomes 0.00011 and 0.00022; 1000 Genomes Project 30x 0.00016; 1000 Genomes Project 0.00020; ExAC 0.00025.
gnomAD v4.1: 167 of 1,608,036 alleles (0.01%); highest among the groups gnomAD compares: South Asian, 0.15%; 2 homozygotes.

Submissions (5):

PreventionGenetics, part of Exact Sciences
Classification: Likely benign for CACNA1A-related condition. Last evaluated: 2025-04-17. Review status: criteria provided, single submitter. Criteria: ACMG Guidelines, 2015. Collection method: clinical testing. Allele origin: germline.
Comment: This variant is classified as likely benign based on ACMG/AMP sequence variant interpretation guidelines (Richards et al. 2015 PMID: 25741868, with internal and published modifications).

Labcorp Genetics (formerly Invitae), Labcorp
Classification: Benign for Developmental and epileptic encephalopathy, 42; Episodic ataxia type 2. Last evaluated: 2024-12-08. Review status: criteria provided, single submitter. Criteria: Invitae Variant Classification Sherloc (09022015). Collection method: clinical testing. Allele origin: germline.

Blueprint Genetics
Classification: Likely benign. Last evaluated: 2024-07-29. Review status: criteria provided, single submitter. Criteria: ACMG Guidelines, 2015. Collection method: clinical testing. Allele origin: germline.

CeGaT Center for Human Genetics Tuebingen
Classification: Likely benign. Last evaluated: 2023-11-01. Review status: criteria provided, single submitter. Criteria: CeGaT Center For Human Genetics Tuebingen Variant Classification Criteria Version 2. Collection method: clinical testing. Allele origin: germline. Affected: yes. Observed: 1 variant allele.
Comment: CACNA1A: BP4, BS1

GeneDx
Classification: Benign. Last evaluated: 2019-03-25. Review status: criteria provided, single submitter. Criteria: GeneDx Variant Classification Process June 2021. Collection method: clinical testing. Allele origin: germline. Affected: yes.

NM_001127222.2(CACNA1A):c.318C>T (p.Ala106=)

Gene: CACNA1A (calcium voltage-gated channel subunit alpha1 A; minus strand). Cytogenetic location: 19p13.13.
Variant type: single nucleotide variant.
Coding change: c.318C>T on transcript NM_001127222.2 (MANE Select); coding-DNA position 318, C replaced by T.
Protein change: p.Ala106=; no amino-acid change (alanine 106 retained).
Molecular consequence: synonymous variant.
Genome position (GRCh38, 1-based): chr19:13,455,188, G>A on the plus strand (C>T on the coding strand, the complement: CACNA1A is on the minus strand). VCF-style: chr19-13455188-G-A. GRCh37 (hg19) VCF-style: chr19-13566002-G-A.
Other names: c.318C>T, p.Ala106= (NM_000068.4, NM_001127221.2, NM_001174080.2 and 1 more transcripts); c.318C>T (NM_001127222.1).
Identifiers: ClinVar variation 1164596 (VCV001164596.36), dbSNP rs554701306, ClinGen allele CA9241065.